The following is an entry in ClinVar:

ClinVar aggregate classification (germline): Uncertain significance (1 of 4 stars; one submission).

Submission:

Ambry Genetics
Classification: Uncertain significance. Last evaluated: 2023-03-16. Review status: criteria provided, single submitter. Criteria: Ambry Variant Classification Scheme 2023. Collection method: clinical testing. Allele origin: germline.
Comment: The p.L520F variant (also known as c.1558C>T), located in coding exon 10 of the MYLK2 gene, results from a C to T substitution at nucleotide position 1558. The leucine at codon 520 is replaced by phenylalanine, an amino acid with highly similar properties. This amino acid position is conserved. In addition, the in silico prediction for this alteration is inconclusive. Since supporting evidence is limited at this time, the clinical significance of this alteration remains unclear.

NM_033118.4(MYLK2):c.1558C>T (p.Leu520Phe)

Gene: MYLK2 (myosin light chain kinase 2; plus strand). Cytogenetic location: 20q11.21.
Variant type: single nucleotide variant.
Coding change: c.1558C>T on transcript NM_033118.4 (MANE Select); coding-DNA position 1558, C replaced by T.
Protein change: p.Leu520Phe; replaces leucine 520 with phenylalanine.
Molecular consequence: missense variant.
Genome position (GRCh38, 1-based): chr20:31,831,836, C>T. VCF-style: chr20-31831836-C-T. GRCh37 (hg19) VCF-style: chr20-30419639-C-T.
Other names: short protein forms L520F.
Identifiers: ClinVar variation 2565429 (VCV002565429.2), dbSNP rs754890310, ClinGen allele CA313851848.
Genomic context (GRCh38, chr20:31,831,836, plus strand): 5'-TACTTTGATGAAGAGACCTTTGAGGCCGTATCAGACGAGGCCAAAGACTTTGTCTCCAAC[C>T]TCATCGTCAAGGACCAGAGGTGAGGCTCACCCCAGAACCTGAACTGTATGTGTGCAAGCT-3'
Protein context (NP_149109.1, residues 510-530): SDEAKDFVSN[Leu520Phe]IVKDQRARMN